The following is an entry in ClinVar:

ClinVar aggregate classification (germline): Uncertain significance (1 of 4 stars; one submission).

Submission:

Ambry Genetics
Classification: Uncertain significance. Last evaluated: 2025-01-31. Review status: criteria provided, single submitter. Criteria: Ambry Variant Classification Scheme 2023. Collection method: clinical testing. Allele origin: germline.
Comment: The p.V36G variant (also known as c.107T>G), located in coding exon 3 of the RINT1 gene, results from a T to G substitution at nucleotide position 107. The valine at codon 36 is replaced by glycine, an amino acid with dissimilar properties. This amino acid position is conserved. In addition, this alteration is predicted to be tolerated by in silico analysis. Based on the available evidence, the clinical significance of this variant remains unclear.

NM_021930.6(RINT1):c.107T>G (p.Val36Gly)

Gene: RINT1 (RAD50 interactor 1; plus strand). Cytogenetic location: 7q22.3.
Variant type: single nucleotide variant.
Coding change: c.107T>G on transcript NM_021930.6 (MANE Select); coding-DNA position 107, T replaced by G.
Protein change: p.Val36Gly; replaces valine 36 with glycine.
Molecular consequence: missense variant. On other transcripts: 5 prime UTR variant (3), non-coding transcript variant (1).
Genome position (GRCh38, 1-based): chr7:105,536,583, T>G. VCF-style: chr7-105536583-T-G. GRCh37 (hg19) VCF-style: chr7-105177030-T-G.
Other names: c.10T>G, p.Phe4Val (NM_001346599.2); c.-913T>G (NM_001346600.2); c.-816T>G (NM_001346601.2); c.-436T>G (NM_001346603.2); short protein forms F4V, V36G.
Identifiers: ClinVar variation 3789228 (VCV003789228.1).
Genomic context (GRCh38, chr7:105,536,583, plus strand): 5'-AGTACTTAGTGGCGTTGAGTAATTGTTATTCTTTTGTTGTAGGTGACATAAATGTTACAG[T>G]TCTTATTGGAAGTAAACAAGTCAGTGAAGGTACAGATAATGGTGATCTCCCTTCTTATGT-3'
Protein context (NP_068749.3, residues 26-46): LEEKSDINVT[Val36Gly]LIGSKQVSEG